The following is an entry in ClinVar:

ClinVar aggregate classification (germline): Uncertain significance (1 of 4 stars; one submission).

Submission:

GeneDx
Classification: Uncertain significance. Last evaluated: 2023-04-28. Review status: criteria provided, single submitter. Criteria: GeneDx Variant Classification Process June 2021. Collection method: clinical testing. Allele origin: germline. Affected: yes.
Comment: In silico analysis supports that this missense variant has a deleterious effect on protein structure/function; In silico analysis suggests this variant may impact gene splicing. In the absence of RNA/functional studies, the actual effect of this sequence change is unknown.; Not observed at significant frequency in large population cohorts (gnomAD); Has not been previously published as pathogenic or benign to our knowledge

NM_001606.5(ABCA2):c.3893G>T (p.Arg1298Leu)

Gene: ABCA2 (ATP binding cassette subfamily A member 2; minus strand). Cytogenetic location: 9q34.3.
Variant type: single nucleotide variant.
Coding change: c.3893G>T on transcript NM_001606.5 (MANE Select); coding-DNA position 3893, G replaced by T.
Protein change: p.Arg1298Leu; replaces arginine 1298 with leucine.
Molecular consequence: missense variant.
Genome position (GRCh38, 1-based): chr9:137,014,800, C>A on the plus strand (G>T on the coding strand, the complement: ABCA2 is on the minus strand). VCF-style: chr9-137014800-C-A. GRCh37 (hg19) VCF-style: chr9-139909252-C-A.
Other names: c.3890G>T, p.Arg1297Leu (NM_001411042.1); c.3983G>T, p.Arg1328Leu (NM_212533.3); short protein forms R1297L, R1298L, R1328L.
Identifiers: ClinVar variation 3252996 (VCV003252996.1), dbSNP rs370357831.
Genomic context (GRCh38, chr9:137,014,800, plus strand): 5'-ACTTCCTCCAGGGTCGTGTCCATCAGCCCGAAGCTGCTGAGGTGCAGTGCATCCAGGCTG[C>A]GCTCCAGGTGCTGCAGGGGCGGTGGAGGGGGAGGCTGCGGCAGGGACGCCCAGGCAGGAG-3'
Protein context (NP_001597.2, residues 1288-1308): AFERLFQHLE[Arg1298Leu]SLDALHLSSF